The following is an entry in ClinVar:

NM_000093.5(COL5A1):c.4608+4T>G

Genes: COL5A1 (collagen type V alpha 1 chain; plus strand), LOC101448202 (uncharacterized LOC101448202; minus strand). Cytogenetic location: 9q34.3.
Variant type: single nucleotide variant.
Coding change: c.4608+4T>G on transcript NM_000093.5 (MANE Select); 4 bases into the intron after coding-DNA position 4608, T replaced by G.
Molecular consequence: intron variant.
Genome position (GRCh38, 1-based): chr9:134,822,154, T>G. VCF-style: chr9-134822154-T-G. GRCh37 (hg19) VCF-style: chr9-137714000-T-G.
Other names: c.4608+4T>G (NM_001278074.1).
Identifiers: ClinVar variation 3495550 (VCV003495550.1).

ClinVar aggregate classification (germline): Uncertain significance (1 of 4 stars; one submission).

Conditions:
Familial thoracic aortic aneurysm and aortic dissection (TAAD). Also called: Thoracic aortic aneurysms and dissections. Identifiers: Orphanet 91387, MedGen C4707243, MONDO:0019625.

Submission:

Ambry Genetics
Classification: Uncertain significance for Familial thoracic aortic aneurysm and aortic dissection. Last evaluated: 2024-07-03. Review status: criteria provided, single submitter. Criteria: Ambry Variant Classification Scheme 2023. Collection method: clinical testing. Allele origin: germline.
Comment: The c.4608+4T>G intronic variant results from a T to G substitution 4 nucleotides after coding exon 59 in the COL5A1 gene. This nucleotide position is not well conserved in available vertebrate species. In silico splice site analysis predicts that this alteration will not have any significant effect on splicing. Based on the available evidence, the clinical significance of this variant remains unclear.